The following is an entry in ClinVar:

ClinVar aggregate classification (germline): Likely benign. Review status: reviewed by expert panel (3 of 4 stars). 3 submissions from 3 submitters: Likely benign (1). 2 of the submissions do not count toward it. Last evaluated 2022-07-08.

Conditions:
Hereditary thrombocytopenia and hematological cancer predisposition syndrome associated with RUNX1. Also called: PLATELET DISORDER, ASPIRIN-LIKE; Familial Platelet Disorder with Propensity to Acute Myelogenous Leukemia; Familial thrombocytopenia with propensity to acute myelogenous leukemia; RUNX1 Familial Platelet Disorder with Associated Myeloid Malignancies. Identifiers: Orphanet 71290, MedGen C1832388, MeSH C563324, MONDO:0100083, OMIM 601399.
Hereditary thrombocytopenia and hematologic cancer predisposition syndrome. Identifiers: Orphanet 71290, MedGen CN281654, MONDO:0011071.
Inborn genetic diseases. Identifiers: MedGen C0950123, MeSH D030342.

gnomAD v4.1: 12 of 1,613,992 alleles (0.00074%); highest among the groups gnomAD compares: Admixed American, 0.0067%; 1 homozygote.

Submissions (3):

ClinGen Myeloid Malignancy Variant Curation Expert Panel
Classification: Likely benign for Hereditary thrombocytopenia and hematologic cancer predisposition syndrome. Last evaluated: 2022-07-08. Review status: reviewed by expert panel. Criteria: ClinGen MyeloMalig ACMG Specifications v2. Collection method: curation. Allele origin: germline.
Comment: NM_001754.5(RUNX1):c.552G>A (p.Pro184=) is a synonymous variant. REVEL is not calculable for this synonymous variant. SpliceAI predicts: Acceptor loss 0.00, donor loss 0.00, acceptor gain 0.00, donor gain 0.00(BP4). Evolutionary conservation prediction algorithms predict the site as not being conserved (PhyloP score -7.011 < 2.0 or the variant is the reference nucleotide in one primate and/or three mammal species) (BP7).In summary, this variant meets the criteria to be classified as likely benign. ACMG/AMP criteria applied, as specified by the Myeloid Malignancy Variant Curation Expert Panel for RUNX1: BP4, BP7.

Labcorp Genetics (formerly Invitae), Labcorp
Classification: Likely benign for Hereditary thrombocytopenia and hematological cancer predisposition syndrome associated with RUNX1. Last evaluated: 2025-11-03. Review status: criteria provided, single submitter. Criteria: Invitae Variant Classification Sherloc (09022015). Collection method: clinical testing. Allele origin: germline. Not counted in ClinVar's aggregate classification.

Ambry Genetics
Classification: Likely benign for Inborn genetic diseases. Last evaluated: 2024-10-05. Review status: criteria provided, single submitter. Criteria: Ambry Variant Classification Scheme 2023. Collection method: clinical testing. Allele origin: germline. Not counted in ClinVar's aggregate classification.

NM_001754.5(RUNX1):c.552G>A (p.Pro184=)

Genes: RUNX1 (RUNX family transcription factor 1; minus strand), RUNX1-AS1 (RUNX1 antisense RNA 1; plus strand). Cytogenetic location: 21q22.12.
Variant type: single nucleotide variant.
Coding change: c.552G>A on transcript NM_001754.5 (MANE Select); coding-DNA position 552, G replaced by A.
Protein change: p.Pro184=; no amino-acid change (proline 184 retained).
Molecular consequence: synonymous variant.
Genome position (GRCh38, 1-based): chr21:34,859,535, C>T on the plus strand (G>A on the coding strand, the complement: RUNX1 is on the minus strand). VCF-style: chr21-34859535-C-T. GRCh37 (hg19) VCF-style: chr21-36231832-C-T.
Other names: NM_001754.5(RUNX1):c.552G>A; p.Pro184=; c.471G>A, p.Pro157= (NM_001001890.3, NM_001122607.2).
Identifiers: ClinVar variation 767025 (VCV000767025.13), dbSNP rs752586117, ClinGen allele CA10014478.